The following is an entry in ClinVar:

NM_004855.5(PIGB):c.37G>A (p.Gly13Arg)

Genes: PIGB (phosphatidylinositol glycan anchor biosynthesis class B; plus strand), LOC130057104 (ATAC-STARR-seq lymphoblastoid active region 9443; plus strand). Cytogenetic location: 15q21.3.
Variant type: single nucleotide variant.
Coding change: c.37G>A on transcript NM_004855.5 (MANE Select); coding-DNA position 37, G replaced by A.
Protein change: p.Gly13Arg; replaces glycine 13 with arginine.
Molecular consequence: missense variant.
Genome position (GRCh38, 1-based): chr15:55,319,287, G>A. VCF-style: chr15-55319287-G-A. GRCh37 (hg19) VCF-style: chr15-55611485-G-A.
Other names: short protein forms G13R.
Identifiers: ClinVar variation 2853850 (VCV002853850.2), dbSNP rs746101897, ClinGen allele CA7573752.
Genomic context (GRCh38, chr15:55,319,287, plus strand): 5'-GCCTTAGGAAGGTGGCGGCCAGGGATGAGGAGGCCCCTAAGCAAGTGCGGAATGGAGCCG[G>A]GGGGCGGAGATGCCAGCCTCACTTTGCATGGTCTCCAGAACCGCTCCCACGGCAAGATAA-3'
Protein context (NP_004846.4, residues 3-23): RPLSKCGMEP[Gly13Arg]GGDASLTLHG

ClinVar aggregate classification (germline): Uncertain significance (1 of 4 stars; one submission).

Allele frequency attached by ClinVar (database versions not stated): ExAC 0.00001.
gnomAD v4.1: 2 of 1,606,944 alleles (0.00012%); highest among the groups gnomAD compares: African/African-American, 0.0013%; no homozygotes.

Submission:

Labcorp Genetics (formerly Invitae), Labcorp
Classification: Uncertain significance. Last evaluated: 2023-04-09. Review status: criteria provided, single submitter. Criteria: Invitae Variant Classification Sherloc (09022015). Collection method: clinical testing. Allele origin: germline.
Comment: This sequence change replaces glycine, which is neutral and non-polar, with arginine, which is basic and polar, at codon 13 of the PIGB protein (p.Gly13Arg). The frequency data for this variant in the population databases is considered unreliable, as metrics indicate poor data quality at this position in the gnomAD database. This variant has not been reported in the literature in individuals affected with PIGB-related conditions. An algorithm developed to predict the effect of missense changes on protein structure and function (PolyPhen-2) suggests that this variant¬¨‚Ä† is likely to be tolerated. In summary, the available evidence is currently insufficient to determine the role of this variant in disease. Therefore, it has been classified as a Variant of Uncertain Significance.